The following is an entry in ClinVar:

ClinVar aggregate classification (germline): Likely benign. Review status: criteria provided, multiple submitters, no conflicts (2 of 4 stars). 2 submissions from 2 submitters: Likely benign (2). Last evaluated 2025-09-10.

Allele frequency attached by ClinVar (database versions not stated): gnomAD exomes below 0.00001; gnomAD 0.00001.
gnomAD v4.1: 4 of 1,605,262 alleles (0.00025%); highest among the groups gnomAD compares: African/African-American, 0.0027%; no homozygotes.

Submissions (2):

Labcorp Genetics (formerly Invitae), Labcorp
Classification: Likely benign. Last evaluated: 2025-09-10. Review status: criteria provided, single submitter. Criteria: Invitae Variant Classification Sherloc (09022015). Collection method: clinical testing. Allele origin: germline.

Laboratory for Molecular Medicine, Mass General Brigham Personalized Medicine
Classification: Likely benign. Last evaluated: 2014-03-19. Review status: criteria provided, single submitter. Criteria: LMM Criteria. Collection method: clinical testing. Allele origin: germline. Observed: 2 variant alleles.
Comment: c.1342-10C>T variant in intron 11 of SLC26A4: This variant is not expected to ha ve clinical significance because it does not diverge from the splice site consen sus sequence and computational tools do not predict an impact to splicing.

NM_000441.2(SLC26A4):c.1342-10C>T

Gene: SLC26A4 (solute carrier family 26 member 4; plus strand). Cytogenetic location: 7q22.3.
Variant type: single nucleotide variant.
Coding change: c.1342-10C>T on transcript NM_000441.2 (MANE Select); 10 bases into the intron before coding-DNA position 1342, C replaced by T.
Molecular consequence: intron variant.
Genome position (GRCh38, 1-based): chr7:107,694,611, C>T. VCF-style: chr7-107694611-C-T. GRCh37 (hg19) VCF-style: chr7-107335056-C-T.
Identifiers: ClinVar variation 165251 (VCV000165251.9), dbSNP rs727503426, ClinGen allele CA177995.